The following is an entry in ClinVar:

ClinVar aggregate classification (germline): Uncertain significance. Review status: criteria provided, multiple submitters, no conflicts (2 of 4 stars). 2 submissions from 2 submitters: Uncertain significance (2). Last evaluated 2026-01-10.

Conditions:
Early-infantile DEE. Also called: Early infantile epileptic encephalopathy with suppression bursts; Early infantile epileptic encephalopathy; Ohtahara syndrome. Identifiers: Orphanet 1934, MedGen C0393706, MONDO:0800491.
Inborn genetic diseases. Identifiers: MedGen C0950123, MeSH D030342.

Allele frequency attached by ClinVar (database versions not stated): gnomAD 0.00001; ExAC 0.00002.

Submissions (2):

Labcorp Genetics (formerly Invitae), Labcorp
Classification: Uncertain significance for Early-infantile DEE. Last evaluated: 2026-01-10. Review status: criteria provided, single submitter. Criteria: Invitae Variant Classification Sherloc (09022015). Collection method: clinical testing. Allele origin: germline.
Comment: This sequence change replaces tyrosine, which is neutral and polar, with cysteine, which is neutral and slightly polar, at codon 292 of the SCN8A protein (p.Tyr292Cys). This variant is present in population databases (rs760924400, gnomAD 0.005%). This missense change has been observed in individual(s) with epilepsy (PMID: 31069529). ClinVar contains an entry for this variant (Variation ID: 2227656). Invitae Evidence Modeling of protein sequence and biophysical properties (such as structural, functional, and spatial information, amino acid conservation, physicochemical variation, residue mobility, and thermodynamic stability) indicates that this missense variant is not expected to disrupt SCN8A protein function with a negative predictive value of 95%. In summary, the available evidence is currently insufficient to determine the role of this variant in disease. Therefore, it has been classified as a Variant of Uncertain Significance.

Ambry Genetics
Classification: Uncertain significance for Inborn genetic diseases. Last evaluated: 2020-09-30. Review status: criteria provided, single submitter. Criteria: Ambry Variant Classification Scheme 2023. Collection method: clinical testing. Allele origin: germline.
Comment: The c.875A>G (p.Y292C) alteration is located in exon 7 (coding exon 6) of the SCN8A gene. This alteration results from an A to G substitution at nucleotide position 875, causing the tyrosine (Y) at amino acid position 292 to be replaced by a cysteine (C). Based on data from the Genome Aggregation Database (gnomAD) database, the SCN8A c.875A>G alteration was observed in <0.01% (3/280408) of total alleles studied, with a frequency of 0.01% (1/7134) in the Other subpopulation. This variant was identified in one individual with juvenile myoclonic epilepsy and febrile seizures in conjunction with variants in other epilepsy genes (Lee CG, 2018). This amino acid position is not well conserved in available vertebrate species. The in silico prediction for the p.Y292C alteration is inconclusive. Based on insufficient or conflicting evidence, the clinical significance of this alteration remains unclear.

Literature cited by the submitters: PubMed 31069529 (cited by Labcorp Genetics (formerly Invitae), Labcorp); PubMed 29924869 (cited by Ambry Genetics).

NM_001330260.2(SCN8A):c.875A>G (p.Tyr292Cys)

Gene: SCN8A (sodium voltage-gated channel alpha subunit 8; plus strand). Cytogenetic location: 12q13.13.
Variant type: single nucleotide variant.
Coding change: c.875A>G on transcript NM_001330260.2 (MANE Select); coding-DNA position 875, A replaced by G.
Protein change: p.Tyr292Cys; replaces tyrosine 292 with cysteine.
Molecular consequence: missense variant.
Genome position (GRCh38, 1-based): chr12:51,699,738, A>G. VCF-style: chr12-51699738-A-G. GRCh37 (hg19) VCF-style: chr12-52093522-A-G.
Other names: c.875A>G, p.Tyr292Cys (NM_001177984.3, NM_001369788.1, NM_014191.4); short protein forms Y292C.
Identifiers: ClinVar variation 2227656 (VCV002227656.3), dbSNP rs760924400, ClinGen allele CA6571162.